The following is an entry in ClinVar:

NM_001367561.1(DOCK7):c.3408dup (p.Pro1137fs)

Gene: DOCK7 (dedicator of cytokinesis 7; minus strand). Cytogenetic location: 1p31.3.
Variant type: Duplication.
Coding change: c.3408dup on transcript NM_001367561.1 (MANE Select); coding-DNA position 3408, one base duplicated (A; older notation c.3408dupA).
Protein change: p.Pro1137fs; shifts the reading frame from proline 1137.
Molecular consequence: frameshift variant.
Genome position (GRCh38, 1-based): chr1:62,537,954, T duplicated on the plus strand (A on the coding strand, the reverse complement: DOCK7 is on the minus strand). VCF-style (leftmost placement, unchanged base first): chr1-62537953-G-GT. GRCh37 (hg19) VCF-style: chr1-63003624-G-GT.
Other names: c.3408dup, p.Pro1137fs (NM_001271999.2, NM_001330614.2); c.3315dup, p.Pro1106fs (NM_001272000.2, NM_001272001.2, NM_033407.4); short protein forms P1137fs, P1106fs.
Identifiers: ClinVar variation 2990906 (VCV002990906.3), dbSNP rs1426717081, ClinGen allele CA737670253.

ClinVar aggregate classification (germline): Pathogenic (1 of 4 stars; one submission).

Conditions:
Developmental and epileptic encephalopathy, 23 (DEE23). Also called: Epileptic encephalopathy, early infantile, 23. Identifiers: Orphanet 411986, MedGen C4014492, MONDO:0014371, OMIM 615859.

Allele frequency attached by ClinVar (database versions not stated): TOPMed below 0.00001; gnomAD 0.00001.

Submission:

Labcorp Genetics (formerly Invitae), Labcorp
Classification: Pathogenic for Developmental and epileptic encephalopathy, 23. Last evaluated: 2023-01-12. Review status: criteria provided, single submitter. Criteria: Invitae Variant Classification Sherloc (09022015). Collection method: clinical testing. Allele origin: germline.
Comment: This sequence change creates a premature translational stop signal (p.Pro1137Thrfs*39) in the DOCK7 gene. It is expected to result in an absent or disrupted protein product. Loss-of-function variants in DOCK7 are known to be pathogenic (PMID: 24814191). This variant is not present in population databases (gnomAD no frequency). This variant has not been reported in the literature in individuals affected with DOCK7-related conditions. For these reasons, this variant has been classified as Pathogenic.

Literature cited by the submitters: PubMed 24814191.